The following is an entry in ClinVar:

ClinVar aggregate classification (germline): Uncertain significance. Review status: criteria provided, multiple submitters, no conflicts (2 of 4 stars). 2 submissions from 2 submitters: Uncertain significance (2). Last evaluated 2025-02-05.

Conditions:
Autosomal dominant Kenny-Caffey syndrome. Also called: Kenny-Caffey syndrome type 2. Identifiers: Orphanet 2333, Orphanet 93325, MedGen C4316787, MONDO:0007478, OMIM 127000.

Submissions (2):

3billion
Classification: Uncertain significance for Autosomal dominant Kenny-Caffey syndrome. Last evaluated: 2025-02-05. Review status: criteria provided, single submitter. Criteria: ACMG Guidelines, 2015. Collection method: clinical testing. Allele origin: germline. Affected: yes.
Comment: The variant is not observed in the gnomAD v4.1.0 dataset. Predicted Consequence/Location: Missense variant. Missense changes are a common disease-causing mechanism. In silico tool predictions suggest damaging effect of the variant on gene or gene product [3Cnet: 0.99 (>=0.6, sensitivity 0.72 and precision 0.9)]. Therefore, this variant is classified as VUS according to the recommendation of ACMG/AMP guideline.

Blueprint Genetics
Classification: Uncertain significance. Last evaluated: 2021-12-07. Review status: criteria provided, single submitter. Criteria: ACMG Guidelines, 2015. Collection method: clinical testing. Allele origin: germline.

NM_001312909.2(FAM111A):c.1559T>G (p.Phe520Cys)

Gene: FAM111A (FAM111 trypsin like peptidase A; plus strand). Cytogenetic location: 11q12.1.
Variant type: single nucleotide variant.
Coding change: c.1559T>G on transcript NM_001312909.2 (MANE Select); coding-DNA position 1559, T replaced by G.
Protein change: p.Phe520Cys; replaces phenylalanine 520 with cysteine.
Molecular consequence: missense variant.
Genome position (GRCh38, 1-based): chr11:59,153,227, T>G. VCF-style: chr11-59153227-T-G. GRCh37 (hg19) VCF-style: chr11-58920700-T-G.
Other names: c.1559T>G, p.Phe520Cys (NM_001142519.3, NM_001142520.3, NM_001142521.3 and 29 more transcripts); short protein forms F520C.
Identifiers: ClinVar variation 4292868 (VCV004292868.2).